The following is an entry in ClinVar:

ClinVar aggregate classification (germline): Pathogenic/Likely pathogenic. Review status: criteria provided, multiple submitters, no conflicts (2 of 4 stars). 7 submissions from 7 submitters: Pathogenic (3); Likely pathogenic (3). 1 of the submissions does not count toward it. Last evaluated 2026-01-26.

Conditions:
Methylmalonic aciduria due to complete methylmalonyl-CoA mutase deficiency.
Methylmalonic aciduria due to methylmalonyl-CoA mutase deficiency (MAMM). Also called: Methylmalonic aciduria, mut type. Identifiers: Orphanet 27, MedGen C1855114, MONDO:0009612, OMIM 251000.

Allele frequency attached by ClinVar (database versions not stated): gnomAD below 0.00001 and 0.00001; TOPMed below 0.00001; gnomAD exomes 0.00005 and 0.00008; ExAC 0.00010.
gnomAD v4.1: 71 of 1,613,904 alleles (0.0044%); highest among the groups gnomAD compares: South Asian, 0.077%; no homozygotes.

Submissions (7):

Natera, Inc.
Classification: Pathogenic for Methylmalonic aciduria due to complete methylmalonyl-CoA mutase deficiency. Last evaluated: 2026-01-26. Review status: criteria provided, single submitter. Criteria: Natera Variant Classification Schema (03/2026). Collection method: clinical testing. Allele origin: germline.
Comment: The c.1956+2T>C variant in MMUT is a canonical splice donor site variant predicted to affect pre-mRNA splicing, which may result in an abnormal transcript and altered protein product. This variant is expected to result in nonsense mediated decay, truncation, or a dysfunctional protein product. This variant is rare in the general population with a frequency below the threshold expected for the associated phenotype(s). Another variant at this same site results in an alteration predicted to cause a similar molecular effect has been observed in individual(s) with the associated phenotype. Given the available evidence, this variant is classified as Pathogenic.

Labcorp Genetics (formerly Invitae), Labcorp
Classification: Pathogenic. Last evaluated: 2025-12-22. Review status: criteria provided, single submitter. Criteria: Invitae Variant Classification Sherloc (09022015). Collection method: clinical testing. Allele origin: germline.
Comment: This sequence change affects a donor splice site in intron 11 of the MUT gene. It is expected to disrupt RNA splicing. Variants that disrupt the donor or acceptor splice site typically lead to a loss of protein function (PMID: 16199547), and loss-of-function variants in MUT are known to be pathogenic (PMID: 15781192). This variant is present in population databases (rs750619189, gnomAD 0.06%). Disruption of this splice site has been observed in individual(s) with methylmalonic acidemia (PMID: 16281286). ClinVar contains an entry for this variant (Variation ID: 550143). Algorithms developed to predict the effect of sequence changes on RNA splicing suggest that this variant may disrupt the consensus splice site. For these reasons, this variant has been classified as Pathogenic.

First Genomix Gene Laboratory, Genetic Diagnostics Department
Classification: Likely pathogenic for Methylmalonic aciduria due to methylmalonyl-CoA mutase deficiency. Last evaluated: 2025-03-21. Review status: criteria provided, single submitter. Criteria: ACMG Guidelines, 2015. Collection method: clinical testing. Allele origin: germline. Inheritance: Autosomal recessive inheritance. Affected: no. Observed: 1 variant allele.

Revvity Omics, Revvity
Classification: Likely pathogenic for Methylmalonic aciduria due to methylmalonyl-CoA mutase deficiency. Last evaluated: 2025-02-19. Review status: criteria provided, single submitter. Criteria: ACMG Guidelines, 2015. Collection method: clinical testing. Allele origin: germline.

Genomic Medicine Center of Excellence, King Faisal Specialist Hospital and Research Centre
Classification: Likely pathogenic for Methylmalonic aciduria due to methylmalonyl-CoA mutase deficiency. Last evaluated: 2024-04-04. Review status: criteria provided, single submitter. Criteria: ACMG Guidelines, 2015. Collection method: clinical testing. Allele origin: germline.

Fulgent Genetics
Classification: Pathogenic for Methylmalonic aciduria due to methylmalonyl-CoA mutase deficiency. Last evaluated: 2018-10-31. Review status: criteria provided, single submitter. Criteria: ACMG Guidelines, 2015. Collection method: clinical testing. Allele origin: unknown.

Counsyl
Classification: Likely pathogenic for Methylmalonic aciduria due to methylmalonyl-CoA mutase deficiency. Last evaluated: 2017-01-06. Review status: no assertion criteria provided. Collection method: clinical testing. Allele origin: unknown. Not counted in ClinVar's aggregate classification.

Literature cited by the submitters: PubMed 16199547 (cited by Labcorp Genetics (formerly Invitae), Labcorp); PubMed 15781192 (cited by Labcorp Genetics (formerly Invitae), Labcorp); PubMed 16281286 (cited by Labcorp Genetics (formerly Invitae), Labcorp).

NM_000255.4(MMUT):c.1956+2T>C

Gene: MMUT (methylmalonyl-CoA mutase; minus strand). Cytogenetic location: 6p12.3.
Variant type: single nucleotide variant.
Coding change: c.1956+2T>C on transcript NM_000255.4 (MANE Select); the canonical splice donor site of the intron after coding-DNA position 1956, T replaced by C.
Molecular consequence: splice donor variant.
Genome position (GRCh38, 1-based): chr6:49,440,204, A>G on the plus strand (T>C on the coding strand, the complement: MMUT is on the minus strand). VCF-style: chr6-49440204-A-G. GRCh37 (hg19) VCF-style: chr6-49407917-A-G.
Identifiers: ClinVar variation 550143 (VCV000550143.20), dbSNP rs750619189, ClinGen allele CA3846706.
Genomic context (GRCh38, chr6:49,440,204, plus strand): 5'-CATTTTCTAAATGTAAGTGACTAGTAAATACTTTTGAAATTCCCCCCAACAGTTTTTAGT[A>G]CCTGGAAAAGAGGGCCTATGTCCACATCAAAACCAAGATCAGCAAATCCTGTAGCAATAA-3'